The following is an entry in ClinVar:

ClinVar aggregate classification (germline): Uncertain significance. Review status: criteria provided, multiple submitters, no conflicts (2 of 4 stars). 3 submissions from 3 submitters: Uncertain significance (3). Last evaluated 2025-08-20.

Conditions:
Hereditary cancer-predisposing syndrome. Also called: Neoplastic Syndromes, Hereditary; Hereditary Cancer Syndrome; Hereditary neoplastic syndrome; Tumor predisposition. Identifiers: Orphanet 140162, MedGen C0027672, MeSH D009386, MONDO:0015356.
Gastrointestinal stromal tumor. Also called: Gastrointestinal stromal tumor, somatic; Gastrointestinal stroma tumor. Identifiers: Orphanet 44890, MedGen C0238198, MeSH D046152, MONDO:0011719, OMIM 606764, HP:0100723.

Allele frequency attached by ClinVar (database versions not stated): gnomAD 0.00001.

Submissions (3):

Labcorp Genetics (formerly Invitae), Labcorp
Classification: Uncertain significance for Gastrointestinal stromal tumor. Last evaluated: 2025-08-20. Review status: criteria provided, single submitter. Criteria: Invitae Variant Classification Sherloc (09022015). Collection method: clinical testing. Allele origin: germline.
Comment: This sequence change replaces aspartic acid, which is acidic and polar, with tyrosine, which is neutral and polar, at codon 419 of the KIT protein (p.Asp419Tyr). This variant is not present in population databases (gnomAD no frequency). This variant has not been reported in the literature in individuals affected with KIT-related conditions. ClinVar contains an entry for this variant (Variation ID: 818713). An algorithm developed to predict the effect of missense changes on protein structure and function (PolyPhen-2) suggests that this variant is likely to be disruptive. In summary, the available evidence is currently insufficient to determine the role of this variant in disease. Therefore, it has been classified as a Variant of Uncertain Significance.

Clinical Genetics Laboratory, Skane University Hospital Lund
Classification: Uncertain significance. Last evaluated: 2023-09-25. Review status: criteria provided, single submitter. Criteria: ACMG Guidelines, 2015. Collection method: clinical testing. Allele origin: germline. Affected: yes.

Ambry Genetics
Classification: Uncertain significance for Hereditary cancer-predisposing syndrome. Last evaluated: 2019-03-29. Review status: criteria provided, single submitter. Criteria: Ambry Variant Classification Scheme 2023. Collection method: clinical testing. Allele origin: germline.
Comment: The p.D419Y variant (also known as c.1255G>T), located in coding exon 8 of the KIT gene, results from a G to T substitution at nucleotide position 1255. The aspartic acid at codon 419 is replaced by tyrosine, an amino acid with highly dissimilar properties. This amino acid position is not well conserved in available vertebrate species. In addition, this alteration is predicted to be tolerated by in silico analysis. Since supporting evidence is limited at this time, the clinical significance of this alteration remains unclear.

NM_000222.3(KIT):c.1255G>T (p.Asp419Tyr)

Gene: KIT (KIT proto-oncogene, receptor tyrosine kinase; plus strand). Cytogenetic location: 4q12.
Variant type: single nucleotide variant.
Coding change: c.1255G>T on transcript NM_000222.3 (MANE Select); coding-DNA position 1255, G replaced by T.
Protein change: p.Asp419Tyr; replaces aspartic acid 419 with tyrosine.
Molecular consequence: missense variant.
Genome position (GRCh38, 1-based): chr4:54,723,607, G>T. VCF-style: chr4-54723607-G-T. GRCh37 (hg19) VCF-style: chr4-55589773-G-T.
Other names: c.1255G>T, p.Asp419Tyr (NM_001093772.2, NM_001385285.1, NM_001385286.1); c.1258G>T, p.Asp420Tyr (NM_001385284.1, NM_001385288.1, NM_001385290.1 and 1 more transcripts); short protein forms D419Y, D420Y.
Identifiers: ClinVar variation 818713 (VCV000818713.15), dbSNP rs752354428, ClinGen allele CA356905403.
Genomic context (GRCh38, chr4:54,723,607, plus strand): 5'-AGCACTCTGACATATGGCCATTTCTGTTTTCCTGTAGCAAAACCAGAAATCCTGACTTAC[G>T]ACAGGCTCGTGAATGGCATGCTCCAATGTGTGGCAGCAGGATTCCCAGAGCCCACAATAG-3'
Protein context (NP_000213.1, residues 409-429): VNTKPEILTY[Asp419Tyr]RLVNGMLQCV